The following is an entry in ClinVar:

ClinVar aggregate classification (germline): Uncertain significance (1 of 4 stars; one submission).

Allele frequency attached by ClinVar (database versions not stated): gnomAD exomes below 0.00001; 1000 Genomes Project 30x 0.00016; 1000 Genomes Project 0.00020; ExAC 0.00001; gnomAD 0.00001.
gnomAD v4.1: 4 of 1,614,076 alleles (0.00025%); highest among the groups gnomAD compares: African/African-American, 0.0053%; no homozygotes.

Submission:

Labcorp Genetics (formerly Invitae), Labcorp
Classification: Uncertain significance. Last evaluated: 2022-07-19. Review status: criteria provided, single submitter. Criteria: Invitae Variant Classification Sherloc (09022015). Collection method: clinical testing. Allele origin: germline.
Comment: This variant has not been reported in the literature in individuals affected with MCM3AP-related conditions. In summary, the available evidence is currently insufficient to determine the role of this variant in disease. Therefore, it has been classified as a Variant of Uncertain Significance. Algorithms developed to predict the effect of missense changes on protein structure and function (SIFT, PolyPhen-2, Align-GVGD) all suggest that this variant is likely to be tolerated. ClinVar contains an entry for this variant (Variation ID: 1519105). This variant is present in population databases (rs201227736, gnomAD 0.007%). This sequence change replaces proline, which is neutral and non-polar, with serine, which is neutral and polar, at codon 1823 of the MCM3AP protein (p.Pro1823Ser).

NM_003906.5(MCM3AP):c.5467C>T (p.Pro1823Ser)

Genes: MCM3AP (minichromosome maintenance complex component 3 associated protein; minus strand), MCM3AP-AS1 (MCM3AP antisense RNA 1; plus strand). Cytogenetic location: 21q22.3.
Variant type: single nucleotide variant.
Coding change: c.5467C>T on transcript NM_003906.5 (MANE Select); coding-DNA position 5467, C replaced by T.
Protein change: p.Pro1823Ser; replaces proline 1823 with serine.
Molecular consequence: missense variant. On other transcripts: non-coding transcript variant (4).
Genome position (GRCh38, 1-based): chr21:46,240,977, G>A on the plus strand (C>T on the coding strand, the complement: MCM3AP is on the minus strand). VCF-style: chr21-46240977-G-A. GRCh37 (hg19) VCF-style: chr21-47660891-G-A.
Other names: short protein forms P1823S.
Identifiers: ClinVar variation 1519105 (VCV001519105.6), dbSNP rs201227736, ClinGen allele CA10075840.